The following is an entry in ClinVar:

NC_000016.9:g.(?_2097700)_(2129439_?)dup

Genes: NTHL1 (nth like DNA glycosylase 1; minus strand), TSC2 (TSC complex subunit 2; plus strand). Cytogenetic location: 16p13.3.
Variant type: Duplication.
Identifiers: ClinVar variation 1409847 (VCV001409847.37).

ClinVar aggregate classification (germline): Uncertain significance (1 of 4 stars; one submission).

Conditions:
Tuberous sclerosis 2 (TSC2). Identifiers: Orphanet 805, MedGen C1860707, MONDO:0013199, OMIM 613254.

Submission:

Labcorp Genetics (formerly Invitae), Labcorp
Classification: Uncertain significance for Tuberous sclerosis 2. Last evaluated: 2021-01-02. Review status: criteria provided, single submitter. Criteria: Invitae Variant Classification Sherloc (09022015). Collection method: clinical testing. Allele origin: germline.
Comment: This variant results in a copy number gain of the genomic region encompassing exon(s) 1-28 of the TSC2 gene. This region includes the initiator codon of the gene. The 5' end of this event is unknown as it extends beyond the assayed region for this gene and therefore may encompass additional genes. The 3' boundary is likely confined to intron 28 of the TSC2 gene. As the precise location of this event is unknown, it may be in tandem or it may be located elsewhere in the genome. In summary, the available evidence is currently insufficient to determine the role of this variant in disease. Therefore, it has been classified as a Variant of Uncertain Significance. This variant has not been reported in the literature in individuals with TSC2-related conditions.